The following is an entry in ClinVar:

ClinVar aggregate classification (germline): Pathogenic/Likely pathogenic. Review status: criteria provided, multiple submitters, no conflicts (2 of 4 stars). 3 submissions from 3 submitters: Pathogenic (2); Likely pathogenic (1). Last evaluated 2025-01-08.

Conditions:
Long QT syndrome (LQTS). Identifiers: MedGen C0023976, MeSH D008133, MONDO:0002442. Disease mechanism: loss of function. Inheritance: Various modes of inheritance.
Long QT syndrome 2 (LQT2). Identifiers: Orphanet 101016, Orphanet 768, MedGen C3150943, MONDO:0013367, OMIM 613688.

Submissions (3):

Molecular Genetics Laboratory, Motol Hospital
Classification: Pathogenic for Long QT syndrome 2. Last evaluated: 2025-01-08. Review status: criteria provided, single submitter. Criteria: ACMG Guidelines, 2015. Collection method: clinical testing. Allele origin: germline. Affected: yes. Observed: 1 variant allele.
Comment: null (splicing) variant in a gene where loss of function is a known mechanism of disease (PVS1), variant not present in gnomAD general population (PM2), reported as pathogenic (ClinVar Variation ID: 2735096) without independet laboratory evaluation (PP5); ACMG PVS1, PM2, PP5

GeneDx
Classification: Pathogenic. Last evaluated: 2024-07-03. Review status: criteria provided, single submitter. Criteria: GeneDx Variant Classification Process June 2021. Collection method: clinical testing. Allele origin: germline. Affected: yes.
Comment: Identified in a family with LQTS and in a cohort of patients with inherited arrhythmia syndromes that underwent left cardiac sympathetic denervation (LCSD) (PMID: 26669661, 24522951); Canonical splice site variant predicted to result in a null allele in a gene for which loss of function is a known mechanism of disease; Not observed at significant frequency in large population cohorts (gnomAD); This variant is associated with the following publications: (PMID: 26669661, 24522951)

Labcorp Genetics (formerly Invitae), Labcorp
Classification: Likely pathogenic for Long QT syndrome. Last evaluated: 2023-12-23. Review status: criteria provided, single submitter. Criteria: Invitae Variant Classification Sherloc (09022015). Collection method: clinical testing. Allele origin: germline.
Comment: This sequence change affects an acceptor splice site in intron 9 of the KCNH2 gene. It is expected to disrupt RNA splicing. Variants that disrupt the donor or acceptor splice site typically lead to a loss of protein function (PMID: 16199547), and loss-of-function variants in KCNH2 are known to be pathogenic (PMID: 10973849, 19862833). This variant is not present in population databases (gnomAD no frequency). Disruption of this splice site has been observed in individual(s) with Long QT syndrome (PMID: 26669661). Algorithms developed to predict the effect of sequence changes on RNA splicing suggest that this variant may disrupt the consensus splice site. In summary, the currently available evidence indicates that the variant is pathogenic, but additional data are needed to prove that conclusively. Therefore, this variant has been classified as Likely Pathogenic.

Literature cited by the submitters: PubMed 16199547 (cited by Labcorp Genetics (formerly Invitae), Labcorp); PubMed 10973849 (cited by Labcorp Genetics (formerly Invitae), Labcorp); PubMed 19862833 (cited by Labcorp Genetics (formerly Invitae), Labcorp); PubMed 26669661 (cited by Labcorp Genetics (formerly Invitae), Labcorp).

NM_000238.4(KCNH2):c.2399-2A>G

Gene: KCNH2 (potassium voltage-gated channel subfamily H member 2; minus strand). Cytogenetic location: 7q36.1.
Variant type: single nucleotide variant.
Coding change: c.2399-2A>G on transcript NM_000238.4 (MANE Select); the canonical splice acceptor site of the intron before coding-DNA position 2399, A replaced by G.
Molecular consequence: splice acceptor variant.
Genome position (GRCh38, 1-based): chr7:150,949,051, T>C on the plus strand (A>G on the coding strand, the complement: KCNH2 is on the minus strand). VCF-style: chr7-150949051-T-C. GRCh37 (hg19) VCF-style: chr7-150646139-T-C.
Other names: c.2111-2A>G (NM_001406753.1); c.1379-2A>G (NM_172057.3).
Identifiers: ClinVar variation 2735096 (VCV002735096.5), dbSNP rs2486016384, ClinGen allele CA369855409.